The following is an entry in ClinVar:

ClinVar aggregate classification (germline): Uncertain significance (1 of 4 stars; one submission).

Submission:

GeneDx
Classification: Uncertain significance. Last evaluated: 2025-05-02. Review status: criteria provided, single submitter. Criteria: GeneDx Variant Classification Process June 2021. Collection method: clinical testing. Allele origin: germline. Affected: yes.
Comment: Not observed at significant frequency in large population cohorts (gnomAD); In silico analysis supports that this missense variant has a deleterious effect on protein structure/function; Has not been previously published as pathogenic or benign to our knowledge

NM_004415.4(DSP):c.385C>G (p.Arg129Gly)

Gene: DSP (desmoplakin; plus strand). Cytogenetic location: 6p24.3.
Variant type: single nucleotide variant.
Coding change: c.385C>G on transcript NM_004415.4 (MANE Select); coding-DNA position 385, C replaced by G.
Protein change: p.Arg129Gly; replaces arginine 129 with glycine.
Molecular consequence: missense variant.
Genome position (GRCh38, 1-based): chr6:7,558,227, C>G. VCF-style: chr6-7558227-C-G. GRCh37 (hg19) VCF-style: chr6-7558460-C-G.
Other names: c.385C>G, p.Arg129Gly (NM_001008844.3, NM_001319034.2, NM_001406591.1); short protein forms R129G.
Identifiers: ClinVar variation 4527708 (VCV004527708.1).
Genomic context (GRCh38, chr6:7,558,227, plus strand): 5'-GAGTGTTTTGCCCAGGCCAATGACCAAATGGAAATCCTCGACAGCTTGATCAGAGAGATG[C>G]GGCAGATGGGCCAGCCCTGTGATGCTTACCAGAAAAGGTATTGTCCACAGAGCATGGATC-3'
Protein context (NP_004406.2, residues 119-139): EILDSLIREM[Arg129Gly]QMGQPCDAYQ